The following is an entry in ClinVar:

NM_001845.6(COL4A1):c.903+18_903+19delinsAG

Gene: COL4A1 (collagen type IV alpha 1 chain; minus strand). Cytogenetic location: 13q34.
Variant type: Indel.
Coding change: c.903+18_903+19delinsAG on transcript NM_001845.6 (MANE Select); bases 18 to 19 of the intron after coding-DNA position 903, GT replaced by AG.
Molecular consequence: intron variant.
Genome position (GRCh38, 1-based): chr13:110,205,475-110,205,476, AC replaced by CT on the plus strand (GT replaced by AG on the coding strand, the reverse complement: COL4A1 is on the minus strand). VCF-style: chr13-110205475-AC-CT. GRCh37 (hg19) VCF-style: chr13-110857822-AC-CT.
Other names: c.903+18_903+19delinsAG (NM_001303110.2).
Identifiers: ClinVar variation 2009156 (VCV002009156.4), dbSNP rs2501579854, ClinGen allele CA2580087115.

ClinVar aggregate classification (germline): Uncertain significance (1 of 4 stars; one submission).

Submission:

Labcorp Genetics (formerly Invitae), Labcorp
Classification: Uncertain significance. Last evaluated: 2022-07-31. Review status: criteria provided, single submitter. Criteria: Invitae Variant Classification Sherloc (09022015). Collection method: clinical testing. Allele origin: germline.
Comment: In summary, the available evidence is currently insufficient to determine the role of this variant in disease. Therefore, it has been classified as a Variant of Uncertain Significance. Experimental studies and prediction algorithms are not available or were not evaluated, and the effect of this variant on mRNA splicing is currently unknown. This variant has not been reported in the literature in individuals affected with COL4A1-related conditions. Information on the frequency of this variant in the gnomAD database is not available, as this variant may be reported differently in the database. This sequence change falls in intron 16 of the COL4A1 gene. It does not directly change the encoded amino acid sequence of the COL4A1 protein.